The following is an entry in ClinVar:

NM_004304.5(ALK):c.3080del (p.Pro1027fs)

Gene: ALK (ALK receptor tyrosine kinase; minus strand). Cytogenetic location: 2p23.2.
Variant type: Deletion.
Coding change: c.3080del on transcript NM_004304.5 (MANE Select); coding-DNA position 3080, one base deleted (C; older notation c.3080delC).
Protein change: p.Pro1027fs; shifts the reading frame from proline 1027.
Molecular consequence: frameshift variant.
Genome position (GRCh38, 1-based): chr2:29,225,553, G deleted on the plus strand (C on the coding strand, the reverse complement: ALK is on the minus strand); the first of 4 consecutive G bases (chr2:29,225,553-29,225,556); deleting any one gives the same sequence. VCF-style (leftmost placement, unchanged base first): chr2-29225552-CG-C. GRCh37 (hg19) VCF-style: chr2-29448418-CG-C.
Other names: short protein forms P1027fs.
Identifiers: ClinVar variation 4713242 (VCV004713242.1).

ClinVar aggregate classification (germline): Uncertain significance (1 of 4 stars; one submission).

Conditions:
Neuroblastoma, susceptibility to, 3. Also called: ALK-Related Neuroblastic Tumor Susceptibility. Identifiers: Orphanet 635, MedGen C2751681, MONDO:0013083, OMIM 613014.

Submission:

Labcorp Genetics (formerly Invitae), Labcorp
Classification: Uncertain significance for Neuroblastoma, susceptibility to, 3. Last evaluated: 2025-02-17. Review status: criteria provided, single submitter. Criteria: Invitae Variant Classification Sherloc (09022015). Collection method: clinical testing. Allele origin: germline.
Comment: This sequence change creates a premature translational stop signal (p.Pro1027Argfs*9) in the ALK gene. It is expected to result in an absent or disrupted protein product. However, the current clinical and genetic evidence is not sufficient to establish whether loss-of-function variants in ALK cause disease. This variant is not present in population databases (gnomAD no frequency). This variant has not been reported in the literature in individuals affected with ALK-related conditions. In summary, the available evidence is currently insufficient to determine the role of this variant in disease. Therefore, it has been classified as a Variant of Uncertain Significance.